The following is an entry in ClinVar:

NM_006767.4(LZTR1):c.1270T>C (p.Tyr424His)

Gene: LZTR1 (leucine zipper like post translational regulator 1; plus strand). Cytogenetic location: 22q11.21.
Variant type: single nucleotide variant.
Coding change: c.1270T>C on transcript NM_006767.4 (MANE Select); coding-DNA position 1270, T replaced by C.
Protein change: p.Tyr424His; replaces tyrosine 424 with histidine.
Molecular consequence: missense variant.
Genome position (GRCh38, 1-based): chr22:20,993,671, T>C. VCF-style: chr22-20993671-T-C. GRCh37 (hg19) VCF-style: chr22-21347960-T-C.
Other names: short protein forms Y424H.
Identifiers: ClinVar variation 3238047 (VCV003238047.1), dbSNP rs2518619879.

ClinVar aggregate classification (germline): Uncertain significance (1 of 4 stars; one submission).

Conditions:
Hereditary cancer-predisposing syndrome. Also called: Neoplastic Syndromes, Hereditary; Tumor predisposition; Hereditary neoplastic syndrome; Hereditary Cancer Syndrome. Identifiers: Orphanet 140162, MedGen C0027672, MeSH D009386, MONDO:0015356.
Cardiovascular phenotype. Identifiers: MedGen CN230736.

Submission:

Ambry Genetics
Classification: Uncertain significance for Cardiovascular phenotype; Hereditary cancer-predisposing syndrome. Last evaluated: 2023-04-17. Review status: criteria provided, single submitter. Criteria: Ambry Variant Classification Scheme 2023. Collection method: clinical testing. Allele origin: germline.
Comment: The p.Y424H variant (also known as c.1270T>C), located in coding exon 12 of the LZTR1 gene, results from a T to C substitution at nucleotide position 1270. The tyrosine at codon 424 is replaced by histidine, an amino acid with similar properties. This amino acid position is conserved. In addition, the in silico prediction for this alteration is inconclusive. Since supporting evidence is limited at this time, the clinical significance of this alteration remains unclear.